The following is an entry in ClinVar:

ClinVar aggregate classification (germline): Uncertain significance (1 of 4 stars; one submission).

Conditions:
Aortic aneurysm, familial thoracic 7 (AAT7). Also called: AORTIC DISSECTION, FAMILIAL, WITH OR WITHOUT AORTIC ANEURYSM. Identifiers: MedGen C3151077, MONDO:0013418, OMIM 613780.

gnomAD v4.1: 1 of 1,610,744 alleles (0.000062%); highest among the groups gnomAD compares: Non-Finnish European, 0.000085%; no homozygotes.

Submission:

Labcorp Genetics (formerly Invitae), Labcorp
Classification: Uncertain significance for Aortic aneurysm, familial thoracic 7. Last evaluated: 2024-02-10. Review status: criteria provided, single submitter. Criteria: Invitae Variant Classification Sherloc (09022015). Collection method: clinical testing. Allele origin: germline.
Comment: This sequence change falls in intron 19 of the MYLK gene. It does not directly change the encoded amino acid sequence of the MYLK protein. It affects a nucleotide within the consensus splice site. This variant is not present in population databases (gnomAD no frequency). This variant has not been reported in the literature in individuals affected with MYLK-related conditions. Variants that disrupt the consensus splice site are a relatively common cause of aberrant splicing (PMID: 17576681, 9536098). Algorithms developed to predict the effect of sequence changes on RNA splicing suggest that this variant may disrupt the consensus splice site. In summary, the available evidence is currently insufficient to determine the role of this variant in disease. Therefore, it has been classified as a Variant of Uncertain Significance.

Literature cited by the submitters: PubMed 17576681; PubMed 9536098.

NM_053025.4(MYLK):c.3565+5G>A

Gene: MYLK (myosin light chain kinase; minus strand). Cytogenetic location: 3q21.1.
Variant type: single nucleotide variant.
Coding change: c.3565+5G>A on transcript NM_053025.4 (MANE Select); 5 bases into the intron after coding-DNA position 3565, G replaced by A.
Molecular consequence: intron variant.
Genome position (GRCh38, 1-based): chr3:123,692,730, C>T on the plus strand (G>A on the coding strand, the complement: MYLK is on the minus strand). VCF-style: chr3-123692730-C-T. GRCh37 (hg19) VCF-style: chr3-123411577-C-T.
Other names: c.3037+5G>A (NM_001321309.2); c.3358+5G>A (NM_053028.4, NM_053026.4); c.3565+5G>A (NM_053027.4).
Identifiers: ClinVar variation 3684435 (VCV003684435.2).